The following is an entry in ClinVar:

NM_006218.4(PIK3CA):c.1850G>A (p.Arg617Gln)

Gene: PIK3CA (phosphatidylinositol-4,5-bisphosphate 3-kinase catalytic subunit alpha; plus strand). Cytogenetic location: 3q26.32.
Variant type: single nucleotide variant.
Coding change: c.1850G>A on transcript NM_006218.4 (MANE Select); coding-DNA position 1850, G replaced by A.
Protein change: p.Arg617Gln; replaces arginine 617 with glutamine.
Molecular consequence: missense variant.
Genome position (GRCh38, 1-based): chr3:179,219,674, G>A. VCF-style: chr3-179219674-G-A. GRCh37 (hg19) VCF-style: chr3-178937462-G-A.
Other names: short protein forms R617Q.
Identifiers: ClinVar variation 802027 (VCV000802027.10), dbSNP rs3865687, ClinGen allele CA2710814.

ClinVar aggregate classification (germline): Uncertain significance. Review status: criteria provided, multiple submitters, no conflicts (2 of 4 stars). 2 submissions from 2 submitters: Uncertain significance (2). Last evaluated 2024-01-02.

Conditions:
Cowden syndrome (CS). Also called: Cowden's disease; Cowden's syndrome; Cowden disease. Identifiers: Orphanet 201, MedGen C0018553, MONDO:0016063. Disease mechanism: gain of function.
Cowden syndrome 1 (CWS1). Also called: PTEN-Related Cowden Syndrome. Identifiers: MedGen CN072330, MONDO:0008021, OMIM 158350. Disease mechanism: gain of function.

Allele frequency attached by ClinVar (database versions not stated): gnomAD 0.00001; gnomAD exomes 0.00001 and 0.00002; ExAC 0.00002; TOPMed 0.00002.
gnomAD v4.1: 24 of 1,611,318 alleles (0.0015%); highest among the groups gnomAD compares: East Asian, 0.025%; no homozygotes.

Submissions (2):

Labcorp Genetics (formerly Invitae), Labcorp
Classification: Uncertain significance for Cowden syndrome. Last evaluated: 2024-01-02. Review status: criteria provided, single submitter. Criteria: Invitae Variant Classification Sherloc (09022015). Collection method: clinical testing. Allele origin: germline.
Comment: This sequence change replaces arginine, which is basic and polar, with glutamine, which is neutral and polar, at codon 617 of the PIK3CA protein (p.Arg617Gln). This variant is present in population databases (rs3865687, gnomAD 0.02%). This variant has not been reported in the literature in individuals affected with PIK3CA-related conditions. ClinVar contains an entry for this variant (Variation ID: 802027). Advanced modeling of protein sequence and biophysical properties (such as structural, functional, and spatial information, amino acid conservation, physicochemical variation, residue mobility, and thermodynamic stability) has been performed at Invitae for this missense variant, however the output from this modeling did not meet the statistical confidence thresholds required to predict the impact of this variant on PIK3CA protein function. In summary, the available evidence is currently insufficient to determine the role of this variant in disease. Therefore, it has been classified as a Variant of Uncertain Significance.

Mendelics
Classification: Uncertain significance for Cowden syndrome 1. Last evaluated: 2019-05-28. Review status: criteria provided, single submitter. Criteria: Mendelics Assertion Criteria 2017. Collection method: clinical testing. Allele origin: unknown.